The following is an entry in ClinVar:

ClinVar aggregate classification (germline): Uncertain significance. Review status: criteria provided, multiple submitters, no conflicts (2 of 4 stars). 2 submissions from 2 submitters: Uncertain significance (2). Last evaluated 2020-03-08.

Conditions:
Isolated lutropin deficiency (HH23). Also called: HYPOGONADOTROPIC HYPOGONADISM 23 WITHOUT ANOSMIA; PASQUALINI SYNDROME; Hypogonadotropic hypogonadism 23 with or without anosmia; FERTILE EUNUCH SYNDROME. Identifiers: Orphanet 325448, MedGen C0271582, MONDO:0009223, OMIM 228300.

Allele frequency attached by ClinVar (database versions not stated): ExAC 0.00006; gnomAD exomes 0.00006 and 0.00009; ESP Exome Variant Server 0.00008; TOPMed 0.00011; gnomAD 0.00015 and 0.00016.
gnomAD v4.1: 153 of 1,612,492 alleles (0.0095%); highest among the groups gnomAD compares: African/African-American, 0.024%; no homozygotes.

Submissions (2):

Genetics Department, Polish Mother's Memorial Hospital Research Institute
Classification: Uncertain significance for Isolated lutropin deficiency. Last evaluated: 2020-03-08. Review status: criteria provided, single submitter. Criteria: ACMG Guidelines, 2015. Collection method: research. Allele origin: paternal. Affected: yes.

GeneDx
Classification: Uncertain significance. Last evaluated: 2020-02-21. Review status: criteria provided, single submitter. Criteria: GeneDx Variant Classification Process June 2021. Collection method: clinical testing. Allele origin: germline. Affected: yes.
Comment: In silico analysis supports that this missense variant has a deleterious effect on protein structure/function; Has not been previously published as pathogenic or benign to our knowledge; This variant is associated with the following publications: (PMID: 32763379)

NM_000894.3(LHB):c.286G>A (p.Val96Met)

Gene: LHB (luteinizing hormone subunit beta; minus strand). Cytogenetic location: 19q13.33.
Variant type: single nucleotide variant.
Coding change: c.286G>A on transcript NM_000894.3 (MANE Select); coding-DNA position 286, G replaced by A.
Protein change: p.Val96Met; replaces valine 96 with methionine.
Molecular consequence: missense variant.
Genome position (GRCh38, 1-based): chr19:49,016,208, C>T on the plus strand (G>A on the coding strand, the complement: LHB is on the minus strand). VCF-style: chr19-49016208-C-T. GRCh37 (hg19) VCF-style: chr19-49519465-C-T.
Other names: short protein forms V96M.
Identifiers: ClinVar variation 818213 (VCV000818213.5), dbSNP rs149003040, ClinGen allele CA9564291.
Genomic context (GRCh38, chr19:49,016,208, plus strand): 5'-TGCGGCGGCAGGGTCCACAGCGACAGCTGAGAGCCACAGGGAAGGAGACCACGGGGTCCA[C>T]ACCACGCGGGCAGCCAGGGAGCCGGATGGACTCGAAGCGCACATCACGGTAGGTGCACAC-3'
Protein context (NP_000885.1, residues 86-106): SIRLPGCPRG[Val96Met]DPVVSFPVAL